The following is an entry in ClinVar:

NM_000083.3(CLCN1):c.181-2A>G

Gene: CLCN1 (chloride voltage-gated channel 1; plus strand). Cytogenetic location: 7q34.
Variant type: single nucleotide variant.
Coding change: c.181-2A>G on transcript NM_000083.3 (MANE Select); the canonical splice acceptor site of the intron before coding-DNA position 181, A replaced by G.
Molecular consequence: splice acceptor variant.
Genome position (GRCh38, 1-based): chr7:143,319,753, A>G. VCF-style: chr7-143319753-A-G. GRCh37 (hg19) VCF-style: chr7-143016846-A-G.
Identifiers: ClinVar variation 942686 (VCV000942686.8), dbSNP rs1802376231, ClinGen allele CA369678849.
Genomic context (GRCh38, chr7:143,319,753, plus strand): 5'-CTCTGTCTATTATTTTTTTAGTCTTCCACAAGGCAGACACTGATCATTCTCTCTCTGTCC[A>G]GATTTATGGCCATCACAAAGAACAATTCTCAGACAGGGAGCAGGACATAGGGATGCCCAA-3'

ClinVar aggregate classification (germline): Likely pathogenic (1 of 4 stars; one submission).

Conditions:
Congenital myotonia, autosomal dominant form (THD). Also called: THOMSEN DISEASE; Myotonia congenita autosomal dominant. Identifiers: Orphanet 614, MedGen C2936781, MONDO:0008055, OMIM 160800.
Congenital myotonia, autosomal recessive form. Also called: Becker Generalized Myotonia; myotonia congenita, autosomal recessive; BECKER DISEASE. Identifiers: Orphanet 614, MedGen C0751360, MONDO:0009715, OMIM 255700.

Submission:

Labcorp Genetics (formerly Invitae), Labcorp
Classification: Likely pathogenic for Congenital myotonia, autosomal recessive form; Congenital myotonia, autosomal dominant form. Last evaluated: 2025-07-13. Review status: criteria provided, single submitter. Criteria: Invitae Variant Classification Sherloc (09022015). Collection method: clinical testing. Allele origin: germline.
Comment: This sequence change affects an acceptor splice site in intron 1 of the CLCN1 gene. It is expected to disrupt RNA splicing. Variants that disrupt the donor or acceptor splice site typically lead to a loss of protein function (PMID: 16199547), and loss-of-function variants in CLCN1 are known to be pathogenic (PMID: 17932099, 22094069, 23739125). This variant is not present in population databases (gnomAD no frequency). This variant has not been reported in the literature in individuals affected with CLCN1-related conditions. ClinVar contains an entry for this variant (Variation ID: 942686). Algorithms developed to predict the effect of sequence changes on RNA splicing suggest that this variant may disrupt the consensus splice site. In summary, the currently available evidence indicates that the variant is pathogenic, but additional data are needed to prove that conclusively. Therefore, this variant has been classified as Likely Pathogenic.

Literature cited by the submitters: PubMed 16199547; PubMed 17932099; PubMed 22094069; PubMed 23739125.